The following is an entry in ClinVar:

ClinVar aggregate classification (germline): Benign/Likely benign. Review status: criteria provided, multiple submitters, no conflicts (2 of 4 stars). 4 submissions from 3 submitters: Benign (2); Likely benign (2). Last evaluated 2024-09-03.

Conditions:
Charcot-Marie-Tooth disease axonal type 2O. Also called: Charcot-Marie-Tooth disease, axonal, type 20; CHARCOT-MARIE-TOOTH NEUROPATHY, AXONAL, TYPE 2O; CHARCOT-MARIE-TOOTH DISEASE, AXONAL, AUTOSOMAL DOMINANT, TYPE 2O; Charcot-Marie-Tooth Neuropathy Type 2O. Identifiers: Orphanet 284232, MedGen C3280220, MONDO:0013644, OMIM 614228.
Autosomal dominant cerebellar ataxia. Also called: Spinocerebellar Ataxia, Dominant. Identifiers: Orphanet 99, MedGen C4087347, MONDO:0020380.

Allele frequency attached by ClinVar (database versions not stated): gnomAD 0.00003; 1000 Genomes Project 0.00060; gnomAD exomes 0.00017; ExAC 0.00023; 1000 Genomes Project 30x 0.00047.
gnomAD v4.1: 140 of 1,613,150 alleles (0.0087%); highest among the groups gnomAD compares: South Asian, 0.14%; 1 homozygote.

Submissions (4):

Labcorp Genetics (formerly Invitae), Labcorp
Classification: Benign for Charcot-Marie-Tooth disease axonal type 2O. Last evaluated: 2024-09-03. Review status: criteria provided, single submitter. Criteria: Invitae Variant Classification Sherloc (09022015). Collection method: clinical testing. Allele origin: germline.

Illumina Laboratory Services, Illumina
Classification: Likely benign for Charcot-Marie-Tooth disease axonal type 2O. Last evaluated: 2018-01-12. Review status: criteria provided, single submitter. Criteria: ICSL Variant Classification Criteria 13 December 2019. Collection method: clinical testing. Allele origin: germline.
Comment: This variant was observed in the ICSL laboratory as part of a predisposition screen in an ostensibly healthy population. It had not been previously curated by ICSL or reported in the Human Gene Mutation Database (HGMD: prior to June 1st, 2018), and was therefore a candidate for classification through an automated scoring system. Utilizing variant allele frequency, disease prevalence and penetrance estimates, and inheritance mode, an automated score was calculated to assess if this variant is too frequent to cause the disease. Based on the score and internal cut-off values, a variant classified as likely benign is not then subjected to further curation. The score for this variant resulted in a classification of likely benign for this disease.

Illumina Laboratory Services, Illumina
Classification: Benign for Spinocerebellar Ataxia, Dominant. Last evaluated: 2018-01-12. Review status: criteria provided, single submitter. Criteria: ICSL Variant Classification Criteria 13 December 2019. Collection method: clinical testing. Allele origin: germline.
Comment: This variant was observed in the ICSL laboratory as part of a predisposition screen in an ostensibly healthy population. It had not been previously curated by ICSL or reported in the Human Gene Mutation Database (HGMD: prior to June 1st, 2018), and was therefore a candidate for classification through an automated scoring system. Utilizing variant allele frequency, disease prevalence and penetrance estimates, and inheritance mode, an automated score was calculated to assess if this variant is too frequent to cause the disease. Based on the score and internal cut-off values, a variant classified as benign is not then subjected to further curation. The score for this variant resulted in a classification of benign for this disease.

GeneDx
Classification: Likely benign. Last evaluated: 2016-09-02. Review status: criteria provided, single submitter. Criteria: GeneDx Variant Classification (06012015). Collection method: clinical testing. Allele origin: germline. Affected: yes.
Comment: This variant is considered likely benign or benign based on one or more of the following criteria: it is a conservative change, it occurs at a poorly conserved position in the protein, it is predicted to be benign by multiple in silico algorithms, and/or has population frequency not consistent with disease.

NM_001376.5(DYNC1H1):c.11460+12G>A

Gene: DYNC1H1 (dynein cytoplasmic 1 heavy chain 1; plus strand). Cytogenetic location: 14q32.31.
Variant type: single nucleotide variant.
Coding change: c.11460+12G>A on transcript NM_001376.5 (MANE Select); 12 bases into the intron after coding-DNA position 11460, G replaced by A.
Molecular consequence: intron variant.
Genome position (GRCh38, 1-based): chr14:102,039,266, G>A. VCF-style: chr14-102039266-G-A. GRCh37 (hg19) VCF-style: chr14-102505603-G-A.
Identifiers: ClinVar variation 388953 (VCV000388953.12), dbSNP rs17512790, ClinGen allele CA7353594.